The following is an entry in ClinVar:

ClinVar aggregate classification (germline): Uncertain significance (1 of 4 stars; one submission).

Conditions:
Nephronophthisis. Also called: Juvenile Nephronophthisis. Identifiers: Orphanet 655, MedGen C0687120, MONDO:0019005, HP:0000090.

Submission:

Labcorp Genetics (formerly Invitae), Labcorp
Classification: Uncertain significance for Nephronophthisis. Last evaluated: 2022-08-21. Review status: criteria provided, single submitter. Criteria: Invitae Variant Classification Sherloc (09022015). Collection method: clinical testing. Allele origin: germline.
Comment: In summary, the available evidence is currently insufficient to determine the role of this variant in disease. Therefore, it has been classified as a Variant of Uncertain Significance. Algorithms developed to predict the effect of missense changes on protein structure and function are either unavailable or do not agree on the potential impact of this missense change (SIFT: "Deleterious"; PolyPhen-2: "Possibly Damaging"; Align-GVGD: "Class C0"). This variant has not been reported in the literature in individuals affected with NPHP1-related conditions. This variant is not present in population databases (gnomAD no frequency). This sequence change replaces serine, which is neutral and polar, with phenylalanine, which is neutral and non-polar, at codon 651 of the NPHP1 protein (p.Ser651Phe).

NM_001128178.3(NPHP1):c.1784C>T (p.Ser595Phe)

Gene: NPHP1 (nephrocystin 1; minus strand). Cytogenetic location: 2q13.
Variant type: single nucleotide variant.
Coding change: c.1784C>T on transcript NM_001128178.3 (MANE Select); coding-DNA position 1784, C replaced by T.
Protein change: p.Ser595Phe; replaces serine 595 with phenylalanine.
Molecular consequence: missense variant. On other transcripts: 3 prime UTR variant (1).
Genome position (GRCh38, 1-based): chr2:110,124,041, G>A on the plus strand (C>T on the coding strand, the complement: NPHP1 is on the minus strand). VCF-style: chr2-110124041-G-A. GRCh37 (hg19) VCF-style: chr2-110881618-G-A.
Other names: c.1952C>T, p.Ser651Phe (NM_000272.5); c.1595C>T, p.Ser532Phe (NM_001128179.3); c.1781C>T, p.Ser594Phe (NM_001374256.1); c.*26C>T (NM_001374257.1); c.1949C>T, p.Ser650Phe (NM_207181.4); short protein forms S595F, S650F, S651F, S594F, S532F.
Identifiers: ClinVar variation 2062043 (VCV002062043.4), dbSNP rs2467119480, ClinGen allele CA348086329.
Genomic context (GRCh38, chr2:110,124,041, plus strand): 5'-GGTAGGCGTGTGGAGTGGAGAAGTGGGAGCACGCAGTCATGGTAAACCAGGAGAAACGTG[G>A]ACTTCAGGAACTCTTTGTCTCTCTGGGAAAACACCACCCCCACAAATAACATTGTTATTT-3'
Protein context (NP_001121650.1, residues 585-605): SEKRDKEFLK[Ser595Phe]TFLLVYHDCV